The following is an entry in ClinVar:

NM_015599.3(PGM3):c.847G>A (p.Val283Ile)

Gene: PGM3 (phosphoglucomutase 3; minus strand). Cytogenetic location: 6q14.1.
Variant type: single nucleotide variant.
Coding change: c.847G>A on transcript NM_015599.3 (MANE Select); coding-DNA position 847, G replaced by A.
Protein change: p.Val283Ile; replaces valine 283 with isoleucine.
Molecular consequence: missense variant. On other transcripts: non-coding transcript variant (1).
Genome position (GRCh38, 1-based): chr6:83,179,908, C>T on the plus strand (G>A on the coding strand, the complement: PGM3 is on the minus strand). VCF-style: chr6-83179908-C-T. GRCh37 (hg19) VCF-style: chr6-83889627-C-T.
Other names: c.931G>A, p.Val311Ile (NM_001199917.2, NM_001367287.1); c.604G>A, p.Val202Ile (NM_001199918.2); c.847G>A, p.Val283Ile (NM_001199919.2, NM_001367286.1); short protein forms V283I, V311I, V202I.
Identifiers: ClinVar variation 656480 (VCV000656480.8), dbSNP rs1339891026, ClinGen allele CA364881641.

ClinVar aggregate classification (germline): Uncertain significance (1 of 4 stars; one submission).

Conditions:
Immunodeficiency 23 (IMD23). Also called: IMMUNODEFICIENCY WITH HYPER IgE AND COGNITIVE IMPAIRMENT; IMMUNODEFICIENCY-VASCULITIS-MYOCLONUS SYNDROME. Identifiers: Orphanet 443811, MedGen C4014371, MONDO:0014353, OMIM 615816.

Allele frequency attached by ClinVar (database versions not stated): gnomAD 0.00002; TOPMed 0.00004.
gnomAD v4.1: 3 of 1,612,184 alleles (0.00019%); highest among the groups gnomAD compares: Admixed American, 0.005%; no homozygotes.

Submission:

Labcorp Genetics (formerly Invitae), Labcorp
Classification: Uncertain significance for Immunodeficiency 23. Last evaluated: 2022-04-01. Review status: criteria provided, single submitter. Criteria: Invitae Variant Classification Sherloc (09022015). Collection method: clinical testing. Allele origin: germline.
Comment: In summary, the available evidence is currently insufficient to determine the role of this variant in disease. Therefore, it has been classified as a Variant of Uncertain Significance. Algorithms developed to predict the effect of missense changes on protein structure and function output the following: SIFT: "Tolerated"; PolyPhen-2: "Benign"; Align-GVGD: "Class C0". The isoleucine amino acid residue is found in multiple mammalian species, which suggests that this missense change does not adversely affect protein function. ClinVar contains an entry for this variant (Variation ID: 656480). This variant has not been reported in the literature in individuals affected with PGM3-related conditions. This variant is not present in population databases (gnomAD no frequency). This sequence change replaces valine, which is neutral and non-polar, with isoleucine, which is neutral and non-polar, at codon 311 of the PGM3 protein (p.Val311Ile).